The following is an entry in ClinVar:

NM_170675.5(MEIS2):c.901-7229_901-3516del

Gene: MEIS2 (Meis homeobox 2; minus strand). Cytogenetic location: 15q14.
Variant type: Deletion.
Coding change: c.901-7229_901-3516del on transcript NM_170675.5 (MANE Select); 7229 bases into the intron before coding-DNA position 901 through 3516 bases into the intron before coding-DNA position 901, 3,714 bases deleted.
Molecular consequence: intron variant.
Genome position (GRCh38, 1-based): chr15:36,953,916-36,957,629, 3,714 bases deleted. GRCh37 (hg19): chr15:37,246,117-37,249,830.
Other names: c.901-7229_901-3516del3714 (NM_170674.5); c.862-7229_862-3516del (NM_002399.4, NM_172315.3); c.901-7229_901-3516del (NM_001220482.2, NM_170676.5, NM_170674.5 and 1 more transcripts); c.637-7229_637-3516del (NM_172316.3).
Identifiers: ClinVar variation 4537290 (VCV004537290.1).

ClinVar aggregate classification (germline): Uncertain significance (1 of 4 stars; one submission).

Submission:

Women's Health and Genetics/Laboratory Corporation of America, LabCorp
Classification: Uncertain significance. Last evaluated: 2025-11-20. Review status: criteria provided, single submitter. Criteria: LabCorp Variant Classification Summary - May 2015. Collection method: clinical testing. Allele origin: germline.
Comment: Variant summary: MEIS2 c.901-7229_901-3516del3714 is located at a position not widely known to affect splicing. Several computational tools predict a significant impact on normal splicing: Two predict the variant creates a 3' acceptor site. However, these predictions have yet to be confirmed by functional studies. The frequency of this variant in the general population could not be determined as the technology used for large population databases (ExAC, gnomAD, ESP, 1000G) cannot detect variants of this type. The available data on variant occurrences in the general population are insufficient to allow any conclusion about variant significance. To our knowledge, no occurrence of c.901-7229_901-3516del3714 in individuals affected with MEIS2-related conditions and no experimental evidence demonstrating its impact on protein function have been reported. No submitters have cited clinical-significance assessments for this variant to ClinVar. Based on the evidence outlined above, the variant was classified as uncertain significance.